The following is an entry in ClinVar:

NM_004484.4(GPC3):c.958C>G (p.Leu320Val)

Gene: GPC3 (glypican 3; minus strand). Cytogenetic location: Xq26.2.
Variant type: single nucleotide variant.
Coding change: c.958C>G on transcript NM_004484.4 (MANE Select); coding-DNA position 958, C replaced by G.
Protein change: p.Leu320Val; replaces leucine 320 with valine.
Molecular consequence: missense variant.
Genome position (GRCh38, 1-based): chrX:133,753,556, G>C on the plus strand (C>G on the coding strand, the complement: GPC3 is on the minus strand). VCF-style: chrX-133753556-G-C. GRCh37 (hg19) VCF-style: chrX-132887583-G-C.
Other names: c.958C>G, p.Leu320Val (NM_001164617.2); c.910C>G, p.Leu304Val (NM_001164618.2); c.796C>G, p.Leu266Val (NM_001164619.2); short protein forms L266V, L304V, L320V.
Identifiers: ClinVar variation 998959 (VCV000998959.7), dbSNP rs372222280, ClinGen allele CA10520770.

ClinVar aggregate classification (germline): Uncertain significance (1 of 4 stars; one submission).

Conditions:
Wilms tumor 1 (WT1). Also called: Wilms tumor, somatic. Identifiers: Orphanet 654, MedGen CN033288, MONDO:0008679, OMIM 194070.

Allele frequency attached by ClinVar (database versions not stated): ExAC 0.00001; gnomAD exomes 0.00001; gnomAD 0.00002; TOPMed 0.00002; ESP Exome Variant Server 0.00009.
gnomAD v4.1: 2 of 1,208,023 alleles (0.00017%); highest among the groups gnomAD compares: African/African-American, 0.0035%; no homozygotes.

Submission:

Labcorp Genetics (formerly Invitae), Labcorp
Classification: Uncertain significance for Wilms tumor 1. Last evaluated: 2023-11-11. Review status: criteria provided, single submitter. Criteria: Invitae Variant Classification Sherloc (09022015). Collection method: clinical testing. Allele origin: germline.
Comment: This sequence change replaces leucine, which is neutral and non-polar, with valine, which is neutral and non-polar, at codon 320 of the GPC3 protein (p.Leu320Val). This variant is present in population databases (rs372222280, gnomAD 0.008%). This variant has not been reported in the literature in individuals affected with GPC3-related conditions. ClinVar contains an entry for this variant (Variation ID: 998959). Advanced modeling of protein sequence and biophysical properties (such as structural, functional, and spatial information, amino acid conservation, physicochemical variation, residue mobility, and thermodynamic stability) performed at Invitae indicates that this missense variant is not expected to disrupt GPC3 protein function with a negative predictive value of 80%. In summary, the available evidence is currently insufficient to determine the role of this variant in disease. Therefore, it has been classified as a Variant of Uncertain Significance.